The following is an entry in ClinVar:

ClinVar aggregate classification (germline): Likely pathogenic (1 of 4 stars; one submission).

Conditions:
Mucopolysaccharidosis type 1. Also called: IDUA deficiency; MPS I; Mucopolysaccharidosis Type I. Identifiers: Orphanet 579, MedGen C0023786, MONDO:0001586.

Submission:

Natera, Inc.
Classification: Likely pathogenic for Mucopolysaccharidosis type I. Last evaluated: 2025-12-08. Review status: criteria provided, single submitter. Criteria: Natera Variant Classification Schema (03/2026). Collection method: clinical testing. Allele origin: germline.
Comment: The c.492_493+99delCGGTGGGCGAGCGCAGGCCCTGGGGCCCTGGCCGGGGCGGGGGTACTCCTGGGCAGGTTGCACCCCTATCACGCAGGCTGCTGCCTGGTCAGGAGATACAT variant in IDUA is a frameshift variant predicted to shift the reading frame and introduce a stop codon. This variant is expected to result in nonsense mediated decay, truncation, or a dysfunctional protein product. This variant is rare in the general population with a frequency below the threshold expected for the associated phenotype(s). Given the available evidence, this variant is classified as Likely Pathogenic.

NM_000203.5(IDUA):c.492_493+99del

Gene: IDUA (alpha-L-iduronidase; plus strand). Cytogenetic location: 4p16.3.
Variant type: Deletion.
Coding change: c.492_493+99del on transcript NM_000203.5 (MANE Select); coding-DNA position 492 through 99 bases into the intron after coding-DNA position 493, 101 bases deleted.
Molecular consequence: splice donor variant.
Genome position (GRCh38, 1-based): chr4:1,000,988-1,001,088, 101 bases deleted. GRCh37 (hg19): chr4:994,776-994,876.
Other names: c.96_97+99del (NM_001363576.1).
Identifiers: ClinVar variation 4817930 (VCV004817930.1).